The following is an entry in ClinVar:

ClinVar aggregate classification (germline): Uncertain significance (1 of 4 stars; one submission).

Conditions:
Dystonia 12 (DYT12). Also called: DYT-ATP1A3; Rapid-Onset Dystonia-Parkinsonism (RDP). Identifiers: Orphanet 71517, MedGen C1868681, MONDO:0007496, OMIM 128235.

Allele frequency attached by ClinVar (database versions not stated): gnomAD exomes below 0.00001; TOPMed below 0.00001.
gnomAD v4.1: 1 of 1,614,234 alleles (0.000062%); highest among the groups gnomAD compares: Non-Finnish European, 0.000085%; no homozygotes.

Submission:

Labcorp Genetics (formerly Invitae), Labcorp
Classification: Uncertain significance for Dystonia 12. Last evaluated: 2023-09-27. Review status: criteria provided, single submitter. Criteria: Invitae Variant Classification Sherloc (09022015). Collection method: clinical testing. Allele origin: germline.
Comment: This sequence change replaces glycine, which is neutral and non-polar, with arginine, which is basic and polar, at codon 845 of the ATP1A3 protein (p.Gly845Arg). This variant is not present in population databases (gnomAD no frequency). This variant has not been reported in the literature in individuals affected with ATP1A3-related conditions. Advanced modeling of protein sequence and biophysical properties (such as structural, functional, and spatial information, amino acid conservation, physicochemical variation, residue mobility, and thermodynamic stability) performed at Invitae indicates that this missense variant is expected to disrupt ATP1A3 protein function. In summary, the available evidence is currently insufficient to determine the role of this variant in disease. Therefore, it has been classified as a Variant of Uncertain Significance.

NM_152296.5(ATP1A3):c.2533G>A (p.Gly845Arg)

Gene: ATP1A3 (ATPase Na+/K+ transporting subunit alpha 3; minus strand). Cytogenetic location: 19q13.2.
Variant type: single nucleotide variant.
Coding change: c.2533G>A on transcript NM_152296.5 (MANE Select); coding-DNA position 2533, G replaced by A.
Protein change: p.Gly845Arg; replaces glycine 845 with arginine.
Molecular consequence: missense variant.
Genome position (GRCh38, 1-based): chr19:41,970,194, C>T on the plus strand (G>A on the coding strand, the complement: ATP1A3 is on the minus strand). VCF-style: chr19-41970194-C-T. GRCh37 (hg19) VCF-style: chr19-42474346-C-T.
Other names: c.2566G>A, p.Gly856Arg (NM_001256213.2); c.2572G>A, p.Gly858Arg (NM_001256214.2); short protein forms G845R, G856R, G858R.
Identifiers: ClinVar variation 2702026 (VCV002702026.3), dbSNP rs2075087822, ClinGen allele CA406038574.